The following is an entry in ClinVar:

NM_001002010.5(NT5C3A):c.139-9021dup

Gene: NT5C3A (5'-nucleotidase, cytosolic IIIA; minus strand). Cytogenetic location: 7p14.3.
Variant type: Duplication.
Coding change: c.139-9021dup on transcript NM_001002010.5 (MANE Select); 9021 bases into the intron before coding-DNA position 139, one base duplicated (A; older notation c.139-9021dupA).
Molecular consequence: intron variant. On other transcripts: frameshift variant (3), 5 prime UTR variant (3).
Genome position (GRCh38, 1-based): chr7:33,035,936, T duplicated on the plus strand (A on the coding strand, the reverse complement: NT5C3A is on the minus strand); the first of 4 consecutive T bases (chr7:33,035,936-33,035,939); duplicating any one gives the same sequence. VCF-style (leftmost placement, unchanged base first): chr7-33035935-A-AT. GRCh37 (hg19) VCF-style: chr7-33075547-A-AT.
Other names: c.34dup, p.Met12fs (NM_001002009.3, NM_001374339.1, NM_016489.14); c.-89dup (NM_001166118.3); c.-84dup (NM_001356996.3, NM_001374336.1); c.139-11828dup (NM_001374335.1); c.139-9021dup (NM_001374338.1); c.-1+4936dup (NM_001374337.1); short protein forms M12fs.
Identifiers: ClinVar variation 3716179 (VCV003716179.2).
Genomic context (GRCh38, chr7:33,035,935, plus strand): 5'-GGTAAAAGTGGTGAAGATTTACCATTAATAAATGGAACTGGAAATAGGCAAATACCCACC[A>AT]TTTTCACATGTACGGCAGACTCTTGATTAGTCATTTCTTGGTTATCCAATCTTCTGGATT-3'

ClinVar aggregate classification (germline): Pathogenic (1 of 4 stars; one submission).

Submission:

Labcorp Genetics (formerly Invitae), Labcorp
Classification: Pathogenic. Last evaluated: 2024-02-26. Review status: criteria provided, single submitter. Criteria: Invitae Variant Classification Sherloc (09022015). Collection method: clinical testing. Allele origin: germline.
Comment: This sequence change creates a premature translational stop signal (p.Met12Asnfs*40) in the NT5C3A gene. It is expected to result in an absent or disrupted protein product. Loss-of-function variants in NT5C3A are known to be pathogenic (PMID: 12714505). This variant is present in population databases (rs772630339, gnomAD 0.03%). This variant has not been reported in the literature in individuals affected with NT5C3A-related conditions. For these reasons, this variant has been classified as Pathogenic.

Literature cited by the submitters: PubMed 12714505.